The following is an entry in ClinVar:

ClinVar aggregate classification (germline): Uncertain significance (1 of 4 stars; one submission).

Conditions:
Inborn genetic diseases. Identifiers: MedGen C0950123, MeSH D030342.

Submission:

Ambry Genetics
Classification: Uncertain significance for Inborn genetic diseases. Last evaluated: 2025-10-22. Review status: criteria provided, single submitter. Criteria: Ambry Variant Classification Scheme 2023. Collection method: clinical testing. Allele origin: germline.
Comment: The p.I910T variant (also known as c.2729T>C), located in coding exon 18 of the PIK3CA gene, results from a T to C substitution at nucleotide position 2729. The isoleucine at codon 910 is replaced by threonine, an amino acid with similar properties. This amino acid position is conserved. In addition, this alteration is predicted to be deleterious by in silico analysis. Based on the available evidence, the clinical significance of this variant remains unclear.

NM_006218.4(PIK3CA):c.2729T>C (p.Ile910Thr)

Gene: PIK3CA (phosphatidylinositol-4,5-bisphosphate 3-kinase catalytic subunit alpha; plus strand). Cytogenetic location: 3q26.32.
Variant type: single nucleotide variant.
Coding change: c.2729T>C on transcript NM_006218.4 (MANE Select); coding-DNA position 2729, T replaced by C.
Protein change: p.Ile910Thr; replaces isoleucine 910 with threonine.
Molecular consequence: missense variant.
Genome position (GRCh38, 1-based): chr3:179,230,066, T>C. VCF-style: chr3-179230066-T-C. GRCh37 (hg19) VCF-style: chr3-178947854-T-C.
Other names: short protein forms I910T.
Identifiers: ClinVar variation 4627623 (VCV004627623.1).